The following is an entry in ClinVar:

ClinVar aggregate classification (germline): Uncertain significance (0 of 4 stars; one submission).

Submission:

Department of Pathology and Laboratory Medicine, Sinai Health System
Classification: Uncertain significance. Review status: no assertion criteria provided. Collection method: clinical testing. Allele origin: unknown. Affected: yes. Study: The Canadian Open Genetics Repository (COGR).
Comment: The ACAN p.Asp1371His variant was not identified in the literature nor was it identified in the ClinVar, Cosmic, MutDB or LOVD 3.0 databases. The variant was identified in dbSNP (ID: rs1281606349) and in control databases in 15 of 157364 chromosomes at a frequency of 0.000095 (Genome Aggregation Database Feb 27, 2017). The variant was observed in the following populations: African in 14 of 8002 chromosomes (freq: 0.00175) and Other in 1 of 4266 chromosomes (freq: 0.000234), but was not observed in the Latino, Ashkenazi Jewish, East Asian, European (Finnish), European (non-Finnish), and South Asian populations. The p.Asp1371 residue is not conserved in mammals and computational analyses (PolyPhen-2, SIFT, AlignGVGD, BLOSUM, and MutationTaster) provide inconsistent predictions regarding the impact to the protein; this information is not very predictive of pathogenicity. In summary, based on the above information the clinical significance of this variant cannot be determined with certainty at this time. This variant is classified as a variant of uncertain significance.

NM_001369268.1(ACAN):c.4111G>C (p.Asp1371His)

Gene: ACAN (aggrecan; plus strand). Cytogenetic location: 15q26.1.
Variant type: single nucleotide variant.
Coding change: c.4111G>C on transcript NM_001369268.1 (MANE Select); coding-DNA position 4111, G replaced by C.
Protein change: p.Asp1371His; replaces aspartic acid 1371 with histidine.
Molecular consequence: missense variant.
Genome position (GRCh38, 1-based): chr15:88,856,696, G>C. VCF-style: chr15-88856696-G-C. GRCh37 (hg19) VCF-style: chr15-89399927-G-C.
Other names: c.4111G>C, p.Asp1371His (NM_001135.4, NM_013227.4); short protein forms D1371H.
Identifiers: ClinVar variation 1050170 (VCV001050170.1), dbSNP rs1281606349, ClinGen allele CA393721174.